The following is an entry in ClinVar:

NM_000048.4(ASL):c.1136G>A (p.Arg379His)

Gene: ASL (argininosuccinate lyase; plus strand). Cytogenetic location: 7q11.21.
Variant type: single nucleotide variant.
Coding change: c.1136G>A on transcript NM_000048.4 (MANE Select); coding-DNA position 1136, G replaced by A.
Protein change: p.Arg379His; replaces arginine 379 with histidine.
Molecular consequence: missense variant.
Genome position (GRCh38, 1-based): chr7:66,092,079, G>A. VCF-style: chr7-66092079-G-A. GRCh37 (hg19) VCF-style: chr7-65557066-G-A.
Other names: c.1136G>A, p.Arg379His (NM_001024943.2); c.1076G>A, p.Arg359His (NM_001024944.2); c.1058G>A, p.Arg353His (NM_001024946.2); short protein forms R379H, R353H, R359H.
Identifiers: ClinVar variation 964738 (VCV000964738.14), dbSNP rs200853731, ClinGen allele CA4277304.

ClinVar aggregate classification (germline): Conflicting classifications of pathogenicity. Review status: criteria provided, conflicting classifications (1 of 4 stars). 6 submissions from 6 submitters: Likely pathogenic (2); Uncertain significance (3). 1 of the submissions does not count toward it. Last evaluated 2026-06-26.

Conditions:
Argininosuccinate lyase deficiency. Also called: ARGININOSUCCINIC ACID LYASE DEFICIENCY; ASL DEFICIENCY; Argininosuccinic aciduria. Identifiers: Orphanet 23, MedGen C0268547, MONDO:0008815, OMIM 207900, HP:0025630.

Allele frequency attached by ClinVar (database versions not stated): gnomAD 0.00001; TOPMed 0.00001; ExAC 0.00002.
gnomAD v4.1: 24 of 1,611,826 alleles (0.0015%); highest among the groups gnomAD compares: South Asian, 0.014%; no homozygotes.

Submissions (6):

Myriad Genetics, Inc.
Classification: Uncertain significance for Argininosuccinate lyase deficiency. Last evaluated: 2026-06-26. Review status: criteria provided, single submitter. Criteria: Myriad Autosomal Dominant, Autosomal Recessive and X-Linked Classification Criteria (2023). Collection method: clinical testing. Allele origin: unknown.
Comment: NM_001024943.1(ASL):c.1136G>A(R379H) is a missense variant classified as a variant of uncertain significance in the context of argininosuccinic aciduria. R379H has not been observed in cases with relevant disease. Relevant functional assessments of this variant are not available in the literature. R379H has been observed in referenced population frequency databases. In summary, there is insufficient evidence to classify NM_001024943.1(ASL):c.1136G>A(R379H) as pathogenic or benign. Please note: this variant was assessed in the context of healthy population screening.

Labcorp Genetics (formerly Invitae), Labcorp
Classification: Likely pathogenic for Argininosuccinate lyase deficiency. Last evaluated: 2025-12-27. Review status: criteria provided, single submitter. Criteria: Invitae Variant Classification Sherloc (09022015). Collection method: clinical testing. Allele origin: germline.
Comment: This sequence change replaces arginine, which is basic and polar, with histidine, which is basic and polar, at codon 379 of the ASL protein (p.Arg379His). This variant is present in population databases (rs200853731, gnomAD 0.02%). This variant has not been reported in the literature in individuals affected with ASL-related conditions. ClinVar contains an entry for this variant (Variation ID: 964738). Invitae Evidence Modeling of protein sequence and biophysical properties (such as structural, functional, and spatial information, amino acid conservation, physicochemical variation, residue mobility, and thermodynamic stability) has been performed for this missense variant. However, the output from this modeling did not meet the statistical confidence thresholds required to predict the impact of this variant on ASL protein function. This variant disrupts the p.Arg379 amino acid residue in ASL. Other variant(s) that disrupt this residue have been determined to be pathogenic (PMID: 12408190, 20236848, 21667091, 25778938, 27515243; internal data). This suggests that this residue is clinically significant, and that variants that disrupt this residue are likely to be disease-causing. In summary, the currently available evidence indicates that the variant is pathogenic, but additional data are needed to prove that conclusively. Therefore, this variant has been classified as Likely Pathogenic.

First Genomix Gene Laboratory, Genetic Diagnostics Department
Classification: Likely pathogenic for Argininosuccinate lyase deficiency. Last evaluated: 2025-06-11. Review status: criteria provided, single submitter. Criteria: ACMG Guidelines, 2015. Collection method: clinical testing. Allele origin: germline. Inheritance: Autosomal recessive inheritance. Affected: no.

GeneDx
Classification: Uncertain significance. Last evaluated: 2024-09-17. Review status: criteria provided, single submitter. Criteria: GeneDx Variant Classification Process June 2021. Collection method: clinical testing. Allele origin: germline. Affected: yes.
Comment: In silico analysis supports that this missense variant has a deleterious effect on protein structure/function; Has not been previously published as pathogenic or benign to our knowledge

Women's Health and Genetics/Laboratory Corporation of America, LabCorp
Classification: Uncertain significance. Last evaluated: 2024-08-07. Review status: criteria provided, single submitter. Criteria: LabCorp Variant Classification Summary - May 2015. Collection method: clinical testing. Allele origin: germline.
Comment: Variant summary: ASL c.1136G>A (p.Arg379His) results in a non-conservative amino acid change located in the Argininosuccinate lyase, C-terminal domain (IPR029419) of the encoded protein sequence. Four of five in-silico tools predict a damaging effect of the variant on protein function. The variant allele was found at a frequency of 3.6e-05 in 248966 control chromosomes (gnomAD). To our knowledge, no occurrence of c.1136G>A in individuals affected with Argininosuccinic Aciduria and no experimental evidence demonstrating its impact on protein function have been reported. A different variant affecting the same codon has been classified as pathogenic by our lab (c.1135C>T, p.Arg379Cys), supporting the critical relevance of codon 379 to ASL protein function. ClinVar contains an entry for this variant (Variation ID: 964738). Based on the evidence outlined above, the variant was classified as VUS-possibly pathogenic.

Natera, Inc.
Classification: Uncertain significance for Argininosuccinate lyase deficiency. Last evaluated: 2020-01-24. Review status: no assertion criteria provided. Collection method: clinical testing. Allele origin: germline. Not counted in ClinVar's aggregate classification.

Literature cited by the submitters: PubMed 12408190 (cited by Labcorp Genetics (formerly Invitae), Labcorp); PubMed 20236848 (cited by Labcorp Genetics (formerly Invitae), Labcorp); PubMed 21667091 (cited by Labcorp Genetics (formerly Invitae), Labcorp); PubMed 25778938 (cited by Labcorp Genetics (formerly Invitae), Labcorp); PubMed 27515243 (cited by Labcorp Genetics (formerly Invitae), Labcorp).